The following is an entry in ClinVar:

NM_001379500.1(COL18A1):c.107-12028T>A

Gene: COL18A1 (collagen type XVIII alpha 1 chain; plus strand). Cytogenetic location: 21q22.3.
Variant type: single nucleotide variant.
Coding change: c.107-12028T>A on transcript NM_001379500.1 (MANE Select); 12028 bases into the intron before coding-DNA position 107, T replaced by A.
Molecular consequence: intron variant. On other transcripts: synonymous variant (1).
Genome position (GRCh38, 1-based): chr21:45,456,214, T>A. VCF-style: chr21-45456214-T-A. GRCh37 (hg19) VCF-style: chr21-46876128-T-A.
Other names: c.684T>A, p.Pro228= (NM_130444.3); c.646+38T>A (NM_030582.4).
Identifiers: ClinVar variation 4985848 (VCV004985848.1).

ClinVar aggregate classification (germline): Likely benign (1 of 4 stars; one submission).

Conditions:
COL18A1-related disorder. Also called: COL18A1-related condition; COL18A1-related disorders.

gnomAD v4.1: 21 of 1,606,956 alleles (0.0013%); highest among the groups gnomAD compares: Non-Finnish European, 0.0018%; no homozygotes.

Submission:

PreventionGenetics, part of Exact Sciences
Classification: Likely benign for COL18A1-related condition. Last evaluated: 2025-06-24. Review status: criteria provided, single submitter. Criteria: ACMG Guidelines, 2015. Collection method: clinical testing. Allele origin: germline.
Comment: This variant is classified as likely benign based on ACMG/AMP sequence variant interpretation guidelines (Richards et al. 2015 PMID: 25741868, with internal and published modifications).